The following is an entry in ClinVar:

ClinVar aggregate classification (germline): Conflicting classifications of pathogenicity. Review status: criteria provided, conflicting classifications (1 of 4 stars). 2 submissions from 2 submitters: Uncertain significance (1); Likely benign (1). Last evaluated 2023-10-26.

Conditions:
Tumor predisposition syndrome 3 (TPDS3). Also called: Glioma susceptibility 9; Melanoma, cutaneous malignant, susceptibility to, 10; LONG TELOMERE SYNDROME, POT1-RELATED; POT1 Tumor Predisposition. Identifiers: Orphanet 618, MedGen C4014476, MONDO:0014368, OMIM 615848.
Hereditary cancer-predisposing syndrome. Also called: Hereditary Cancer Syndrome; Hereditary neoplastic syndrome; Neoplastic Syndromes, Hereditary; Tumor predisposition. Identifiers: Orphanet 140162, MedGen C0027672, MeSH D009386, MONDO:0015356.

Submissions (2):

Ambry Genetics
Classification: Likely benign for Hereditary cancer-predisposing syndrome. Last evaluated: 2023-10-26. Review status: criteria provided, single submitter. Criteria: Ambry Variant Classification Scheme 2023. Collection method: clinical testing. Allele origin: germline.

Labcorp Genetics (formerly Invitae), Labcorp
Classification: Uncertain significance for Tumor predisposition syndrome 3. Last evaluated: 2023-05-09. Review status: criteria provided, single submitter. Criteria: Invitae Variant Classification Sherloc (09022015). Collection method: clinical testing. Allele origin: germline.
Comment: In summary, the available evidence is currently insufficient to determine the role of this variant in disease. Therefore, it has been classified as a Variant of Uncertain Significance. Advanced modeling of protein sequence and biophysical properties (such as structural, functional, and spatial information, amino acid conservation, physicochemical variation, residue mobility, and thermodynamic stability) performed at Invitae indicates that this missense variant is not expected to disrupt POT1 protein function. This variant has not been reported in the literature in individuals affected with POT1-related conditions. This variant is not present in population databases (gnomAD no frequency). This sequence change replaces proline, which is neutral and non-polar, with serine, which is neutral and polar, at codon 569 of the POT1 protein (p.Pro569Ser).

NM_015450.3(POT1):c.1705C>T (p.Pro569Ser)

Gene: POT1 (protection of telomeres 1; minus strand). Cytogenetic location: 7q31.33.
Variant type: single nucleotide variant.
Coding change: c.1705C>T on transcript NM_015450.3 (MANE Select); coding-DNA position 1705, C replaced by T.
Protein change: p.Pro569Ser; replaces proline 569 with serine.
Molecular consequence: missense variant. On other transcripts: non-coding transcript variant (3).
Genome position (GRCh38, 1-based): chr7:124,825,339, G>A on the plus strand (C>T on the coding strand, the complement: POT1 is on the minus strand). VCF-style: chr7-124825339-G-A. GRCh37 (hg19) VCF-style: chr7-124465393-G-A.
Other names: c.1705C>T (NM_015450.2); c.1312C>T, p.Pro438Ser (NM_001042594.2); short protein forms P438S, P569S.
Identifiers: ClinVar variation 2732463 (VCV002732463.4), dbSNP rs1388805721, ClinGen allele CA369062512.